The following is an entry in ClinVar:

ClinVar aggregate classification (germline): Likely benign (1 of 4 stars; one submission).

Allele frequency attached by ClinVar (database versions not stated): gnomAD exomes below 0.00001; gnomAD 0.00001; TOPMed 0.00001.
gnomAD v4.1: 4 of 1,611,064 alleles (0.00025%); highest among the groups gnomAD compares: Non-Finnish European, 0.00034%; no homozygotes.

Submission:

Laboratory for Molecular Medicine, Mass General Brigham Personalized Medicine
Classification: Likely benign. Last evaluated: 2014-03-21. Review status: criteria provided, single submitter. Criteria: LMM Criteria. Collection method: clinical testing. Allele origin: germline. Observed: 1 variant allele.
Comment: Ser2062Gly in exon 16 of TRIOBP: This variant is not expected to have clinical s ignificance because the serine (Ser) at position 2062 is not conserved in mammal s or evolutionarily distant species and 16 mammals have a glycine (Gly) at this position.

NM_001039141.3(TRIOBP):c.6184A>G (p.Ser2062Gly)

Gene: TRIOBP (TRIO and F-actin binding protein; plus strand). Cytogenetic location: 22q13.1.
Variant type: single nucleotide variant.
Coding change: c.6184A>G on transcript NM_001039141.3 (MANE Select); coding-DNA position 6184, A replaced by G.
Protein change: p.Ser2062Gly; replaces serine 2062 with glycine.
Molecular consequence: missense variant.
Genome position (GRCh38, 1-based): chr22:37,758,109, A>G. VCF-style: chr22-37758109-A-G. GRCh37 (hg19) VCF-style: chr22-38154116-A-G.
Other names: c.1045A>G, p.Ser349Gly (NM_007032.5, NM_138632.2); short protein forms S2062G, S349G.
Identifiers: ClinVar variation 165604 (VCV000165604.5), dbSNP rs727503525, ClinGen allele CA178349.